The following is an entry in ClinVar:

NM_001122681.2(SH3BP2):c.1118T>C (p.Met373Thr)

Gene: SH3BP2 (SH3 domain binding protein 2; plus strand). Cytogenetic location: 4p16.3.
Variant type: single nucleotide variant.
Coding change: c.1118T>C on transcript NM_001122681.2 (MANE Select); coding-DNA position 1118, T replaced by C.
Protein change: p.Met373Thr; replaces methionine 373 with threonine.
Molecular consequence: missense variant.
Genome position (GRCh38, 1-based): chr4:2,830,024, T>C. VCF-style: chr4-2830024-T-C. GRCh37 (hg19) VCF-style: chr4-2831751-T-C.
Other names: c.1202T>C, p.Met401Thr (NM_001145855.2); c.1289T>C, p.Met430Thr (NM_001145856.2); c.1118T>C, p.Met373Thr (NM_003023.4); short protein forms M430T, M401T, M373T.
Identifiers: ClinVar variation 2908039 (VCV002908039.3), dbSNP rs1349531722, ClinGen allele CA356057190.

ClinVar aggregate classification (germline): Uncertain significance (1 of 4 stars; one submission).

Conditions:
Fibrous dysplasia of jaw (CRBM). Also called: Cherubism. Identifiers: Orphanet 184, MedGen C0008029, MONDO:0007315, OMIM 118400.

Allele frequency attached by ClinVar (database versions not stated): gnomAD exomes below 0.00001.
gnomAD v4.1: 1 of 1,612,868 alleles (0.000062%); highest among the groups gnomAD compares: Non-Finnish European, 0.000085%; no homozygotes.

Submission:

Labcorp Genetics (formerly Invitae), Labcorp
Classification: Uncertain significance for Fibrous dysplasia of jaw. Last evaluated: 2024-05-26. Review status: criteria provided, single submitter. Criteria: Invitae Variant Classification Sherloc (09022015). Collection method: clinical testing. Allele origin: germline.
Comment: This sequence change replaces methionine, which is neutral and non-polar, with threonine, which is neutral and polar, at codon 373 of the SH3BP2 protein (p.Met373Thr). This variant is present in population databases (no rsID available, gnomAD 0.0009%). This variant has not been reported in the literature in individuals affected with SH3BP2-related conditions. Advanced modeling of protein sequence and biophysical properties (such as structural, functional, and spatial information, amino acid conservation, physicochemical variation, residue mobility, and thermodynamic stability) performed at Invitae indicates that this missense variant is not expected to disrupt SH3BP2 protein function with a negative predictive value of 80%. In summary, the available evidence is currently insufficient to determine the role of this variant in disease. Therefore, it has been classified as a Variant of Uncertain Significance.